The following is an entry in ClinVar:

ClinVar aggregate classification (germline): Uncertain significance (1 of 4 stars; one submission).

Conditions:
Familial cold autoinflammatory syndrome 2 (FCAS2). Identifiers: Orphanet 247868, MedGen C2673198, MONDO:0012724, OMIM 611762.

Allele frequency attached by ClinVar (database versions not stated): gnomAD exomes below 0.00001 and 0.00001; ExAC 0.00002.
gnomAD v4.1: 3 of 1,613,956 alleles (0.00019%); highest among the groups gnomAD compares: Non-Finnish European, 0.00025%; no homozygotes.

Submission:

Labcorp Genetics (formerly Invitae), Labcorp
Classification: Uncertain significance for Familial cold autoinflammatory syndrome 2. Last evaluated: 2021-08-25. Review status: criteria provided, single submitter. Criteria: Invitae Variant Classification Sherloc (09022015). Collection method: clinical testing. Allele origin: germline.
Comment: This sequence change replaces glutamine with arginine at codon 307 of the NLRP12 protein (p.Gln307Arg). The glutamine residue is highly conserved and there is a small physicochemical difference between glutamine and arginine. This variant is present in population databases (rs753109542, ExAC 0.005%). This variant has not been reported in the literature in individuals affected with NLRP12-related conditions. Algorithms developed to predict the effect of missense changes on protein structure and function output the following: SIFT: "Tolerated"; PolyPhen-2: "Benign"; Align-GVGD: "Class C0". The arginine amino acid residue is found in multiple mammalian species, which suggests that this missense change does not adversely affect protein function. In summary, the available evidence is currently insufficient to determine the role of this variant in disease. Therefore, it has been classified as a Variant of Uncertain Significance.

NM_144687.4(NLRP12):c.920A>G (p.Gln307Arg)

Gene: NLRP12 (NLR family pyrin domain containing 12; minus strand). Cytogenetic location: 19q13.42.
Variant type: single nucleotide variant.
Coding change: c.920A>G on transcript NM_144687.4 (MANE Select); coding-DNA position 920, A replaced by G.
Protein change: p.Gln307Arg; replaces glutamine 307 with arginine.
Molecular consequence: missense variant.
Genome position (GRCh38, 1-based): chr19:53,810,739, T>C on the plus strand (A>G on the coding strand, the complement: NLRP12 is on the minus strand). VCF-style: chr19-53810739-T-C. GRCh37 (hg19) VCF-style: chr19-54313993-T-C.
Other names: c.920A>G, p.Gln307Arg (NM_001277126.2, NM_001277129.1); short protein forms Q307R.
Identifiers: ClinVar variation 1402363 (VCV001402363.6), dbSNP rs753109542, ClinGen allele CA9639570.